The following is an entry in ClinVar:

NM_000540.3(RYR1):c.1967C>A (p.Thr656Lys)

Gene: RYR1 (ryanodine receptor 1; plus strand). Cytogenetic location: 19q13.2.
Variant type: single nucleotide variant.
Coding change: c.1967C>A on transcript NM_000540.3 (MANE Select); coding-DNA position 1967, C replaced by A.
Protein change: p.Thr656Lys; replaces threonine 656 with lysine.
Molecular consequence: missense variant.
Genome position (GRCh38, 1-based): chr19:38,458,092, C>A. VCF-style: chr19-38458092-C-A. GRCh37 (hg19) VCF-style: chr19-38948732-C-A.
Other names: c.1967C>A, p.Thr656Lys (NM_001042723.2); short protein forms T656K.
Identifiers: ClinVar variation 3603817 (VCV003603817.2).

ClinVar aggregate classification (germline): Uncertain significance (1 of 4 stars; one submission).

Conditions:
RYR1-related disorder. Also called: RYR1-related condition; RYR1-related disorders. Identifiers: MedGen CN239331.

Submission:

Labcorp Genetics (formerly Invitae), Labcorp
Classification: Uncertain significance for RYR1-related disorder. Last evaluated: 2024-11-17. Review status: criteria provided, single submitter. Criteria: Invitae Variant Classification Sherloc (09022015). Collection method: clinical testing. Allele origin: germline.
Comment: This sequence change replaces threonine, which is neutral and polar, with lysine, which is basic and polar, at codon 656 of the RYR1 protein (p.Thr656Lys). This variant is not present in population databases (gnomAD no frequency). This variant has not been reported in the literature in individuals affected with RYR1-related conditions. Invitae Evidence Modeling of protein sequence and biophysical properties (such as structural, functional, and spatial information, amino acid conservation, physicochemical variation, residue mobility, and thermodynamic stability) indicates that this missense variant is not expected to disrupt RYR1 protein function with a negative predictive value of 80%. In summary, the available evidence is currently insufficient to determine the role of this variant in disease. Therefore, it has been classified as a Variant of Uncertain Significance.